The following is an entry in ClinVar:

ClinVar aggregate classification (germline): Conflicting classifications of pathogenicity. Review status: criteria provided, conflicting classifications (1 of 4 stars). 4 submissions from 4 submitters: Pathogenic (1); Uncertain significance (2); Likely benign (1). Last evaluated 2025-02-16.

Conditions:
Advanced sleep phase syndrome 3. Also called: Advanced sleep phase syndrome, familial, 3. Identifiers: Orphanet 164736, MedGen C4225169, MONDO:0014814, OMIM 616882.

Allele frequency attached by ClinVar (database versions not stated): TOPMed 0.00267; ESP Exome Variant Server 0.00308; 1000 Genomes Project 30x 0.00312; 1000 Genomes Project 0.00339; gnomAD exomes 0.00497 and 0.00563; gnomAD 0.00501 and 0.00511; ExAC 0.00588.
gnomAD v4.1: 7,968 of 1,613,976 alleles (0.49%); highest among the groups gnomAD compares: Non-Finnish European, 0.48%; 47 homozygotes.

Submissions (4):

Laboratory of Genetics, Children's Clinical University Hospital Latvia
Classification: Likely benign. Last evaluated: 2025-02-16. Review status: criteria provided, single submitter. Criteria: ACMG Guidelines, 2015. Collection method: clinical testing. Allele origin: germline. Affected: yes.

CeGaT Center for Human Genetics Tuebingen
Classification: Uncertain significance. Last evaluated: 2023-12-01. Review status: criteria provided, single submitter. Criteria: CeGaT Center For Human Genetics Tuebingen Variant Classification Criteria Version 2. Collection method: clinical testing. Allele origin: germline. Affected: yes. Observed: 2 variant alleles.
Comment: PER3: PS3:Moderate, BP4, BS1:Supporting

Department of Pathology and Laboratory Medicine, Sinai Health System
Classification: Uncertain significance for Advanced sleep phase syndrome 3. Last evaluated: 2023-04-18. Review status: criteria provided, single submitter. Criteria: ACMG Guidelines, 2015. Collection method: research. Allele origin: germline.

Bioinformatics dept., Datar Cancer Genetics Limited, India
Classification: Pathogenic for Advanced sleep phase syndrome 3. Last evaluated: 2017-06-23. Review status: criteria provided, single submitter. Criteria: ACMG Guidelines, 2015. Collection method: clinical testing. Allele origin: germline. Inheritance: Autosomal dominant inheritance. Observed: 1 variant allele, 1 compound heterozygote.

Literature cited by the submitters: PubMed 26903630 (cited by Bioinformatics dept., Datar Cancer Genetics Limited, India).

NM_001377275.1(PER3):c.1250A>G (p.His417Arg)

Gene: PER3 (period circadian regulator 3; plus strand). Cytogenetic location: 1p36.23.
Variant type: single nucleotide variant.
Coding change: c.1250A>G on transcript NM_001377275.1 (MANE Select); coding-DNA position 1250, A replaced by G.
Protein change: p.His417Arg; replaces histidine 417 with arginine.
Molecular consequence: missense variant.
Genome position (GRCh38, 1-based): chr1:7,809,900, A>G. VCF-style: chr1-7809900-A-G. GRCh37 (hg19) VCF-style: chr1-7869960-A-G.
Other names: c.1250A>G, p.His417Arg (NM_001289861.2, NM_001289862.2, NM_001289863.3 and 1 more transcripts); c.293A>G, p.His98Arg (NM_001289864.3); c.1247A>G, p.His416Arg (NM_016831.4); short protein forms H417R, H416R, H98R.
Identifiers: ClinVar variation 242411 (VCV000242411.29), dbSNP rs139315125, ClinGen allele CA355000.